The following is an entry in ClinVar:

NM_000202.8(IDS):c.1185del (p.Arg395fs)

Gene: IDS (iduronate 2-sulfatase; minus strand). Cytogenetic location: Xq28.
Variant type: Deletion.
Coding change: c.1185del on transcript NM_000202.8 (MANE Select); coding-DNA position 1185, one base deleted (G; older notation c.1185delG).
Protein change: p.Arg395fs; shifts the reading frame from arginine 395.
Molecular consequence: frameshift variant.
Genome position (GRCh38, 1-based): chrX:149,483,214, C deleted on the plus strand (G on the coding strand, the reverse complement: IDS is on the minus strand); the first of 2 consecutive C bases (chrX:149,483,214-149,483,215); deleting either gives the same sequence. VCF-style (leftmost placement, unchanged base first): chrX-149483213-GC-G. GRCh37 (hg19) VCF-style: chrX-148564744-GC-G.
Other names: c.915del, p.Arg305fs (NM_001166550.4); short protein forms R305fs, R395fs.
Identifiers: ClinVar variation 3255982 (VCV003255982.2).

ClinVar aggregate classification (germline): Pathogenic (1 of 4 stars; one submission).

Conditions:
Mucopolysaccharidosis, MPS-II (MPS2). Also called: Hunter Syndrome; IDURONATE 2-SULFATASE DEFICIENCY; Mucopolysaccharidosis Type II; Mucopolysaccharidosis type 2; Attenuated MPS (subtype; formerly known as mild MPS II); Severe MPS II. Identifiers: Orphanet 580, Orphanet 79388, MedGen C0026705, MONDO:0010674, OMIM 309900.

Submission:

Laboratory of Diagnosis and Therapy of Lysosomal Disorders, University of Padova
Classification: Pathogenic for Mucopolysaccharidosis, MPS-II. Last evaluated: 2024-06-07. Review status: criteria provided, single submitter. Criteria: ACMG Guidelines, 2015. Collection method: literature only. Allele origin: germline. Affected: yes. Observed: 2 variant alleles.
Comment: Null variant (PVS1_Strong), In vitro or in vivo functional studies supportive of a damaging effect (PS3_Strong), Absent from controls (or at low frequency) in gnomAD database (PM2_Moderate), Patient’s phenotype or family history highly specific for the disease (PP4_Moderate)

Classification method: ACMG Guidelines [PMID:25741868] with modifications

Literature cited by the submitters: PubMed 31877959.